The following is an entry in ClinVar:

NM_001035.3(RYR2):c.2907T>C (p.Asn969=)

Gene: RYR2 (ryanodine receptor 2; plus strand). Cytogenetic location: 1q43.
Variant type: single nucleotide variant.
Coding change: c.2907T>C on transcript NM_001035.3 (MANE Select); coding-DNA position 2907, T replaced by C.
Protein change: p.Asn969=; no amino-acid change (asparagine 969 retained).
Molecular consequence: synonymous variant.
Genome position (GRCh38, 1-based): chr1:237,548,431, T>C. VCF-style: chr1-237548431-T-C. GRCh37 (hg19) VCF-style: chr1-237711731-T-C.
Identifiers: ClinVar variation 955569 (VCV000955569.14), dbSNP rs763800107, ClinGen allele CA086236.
Genomic context (GRCh38, chr1:237,548,431, plus strand): 5'-TTACAGAGATTTTTATGAAAAGGCCAATTATACACAAATTTCTTTGTCTCTGATTTGTAG[T>C]TACCAGCTGACAAGTGGATACAAGCCTGCCCCTATGGACCTGAGCTTTATCAAACTCACC-3'
Protein context (NP_001026.2, residues 959-979): DKVKKMKLPK[Asn969=]YQLTSGYKPA

ClinVar aggregate classification (germline): Conflicting classifications of pathogenicity. Review status: criteria provided, conflicting classifications (1 of 4 stars). 5 submissions from 5 submitters: Uncertain significance (1); Benign (1); Likely benign (3). Last evaluated 2025-10-24.

Conditions:
Catecholaminergic polymorphic ventricular tachycardia 1. Also called: VENTRICULAR TACHYCARDIA, STRESS-INDUCED POLYMORPHIC 1; RYR2-Related Catecholaminergic Polymorphic Ventricular Tachycardia; VENTRICULAR TACHYCARDIA, CATECHOLAMINERGIC POLYMORPHIC, 1, WITH OR WITHOUT ATRIAL DYSFUNCTION AND/OR DILATED CARDIOMYOPATHY. Identifiers: Orphanet 3286, MedGen C1631597, MONDO:0011484, OMIM 604772.
Cardiovascular phenotype. Identifiers: MedGen CN230736.
Catecholaminergic polymorphic ventricular tachycardia (CVPT). Also called: Catecholamine-induced polymorphic ventricular tachycardia. Identifiers: Orphanet 3286, MedGen C5574922, MONDO:0017990.
Cardiomyopathy (CMYO). Also called: Cardiomyopathies. Identifiers: Orphanet 167848, MedGen C0878544, MONDO:0004994, HP:0001638. Inheritance: Various modes of inheritance.

Allele frequency attached by ClinVar (database versions not stated): ExAC 0.00001; gnomAD 0.00001; gnomAD exomes 0.00001.
gnomAD v4.1: 10 of 1,613,264 alleles (0.00062%); highest among the groups gnomAD compares: South Asian, 0.011%; 1 homozygote.

Submissions (5):

Labcorp Genetics (formerly Invitae), Labcorp
Classification: Uncertain significance for Catecholaminergic polymorphic ventricular tachycardia 1. Last evaluated: 2025-10-24. Review status: criteria provided, single submitter. Criteria: Invitae Variant Classification Sherloc (09022015). Collection method: clinical testing. Allele origin: germline.
Comment: This sequence change affects codon 969 of the RYR2 mRNA. It is a 'silent' change, meaning that it does not change the encoded amino acid sequence of the RYR2 protein. It affects a nucleotide within the consensus splice site. This variant is present in population databases (rs763800107, gnomAD 0.007%). This variant has not been reported in the literature in individuals affected with RYR2-related conditions. ClinVar contains an entry for this variant (Variation ID: 955569). Algorithms developed to predict the effect of sequence changes on RNA splicing suggest that this variant is not likely to affect RNA splicing. In summary, the available evidence is currently insufficient to determine the role of this variant in disease. Therefore, it has been classified as a Variant of Uncertain Significance.

Ambry Genetics
Classification: Likely benign for Cardiovascular phenotype. Last evaluated: 2024-07-17. Review status: criteria provided, single submitter. Criteria: Ambry Variant Classification Scheme 2023. Collection method: clinical testing. Allele origin: germline.

All of Us Research Program, National Institutes of Health
Classification: Likely benign for Catecholaminergic polymorphic ventricular tachycardia. Last evaluated: 2023-12-13. Review status: criteria provided, single submitter. Criteria: ACMG Guidelines, 2015. Collection method: clinical testing. Allele origin: germline. Inheritance: Autosomal dominant inheritance. Observed: 1 variant allele, 1 heterozygote.
Comment: This study involves interpretation of variants in research participants for the purpose of population health screening. Participant phenotype was not available at the time of variant classification. Additional details can be found in publication PMID: 35346344, PMCID: PMC8962531

Color Diagnostics, LLC DBA Color Health
Classification: Likely benign for Cardiomyopathy. Last evaluated: 2023-11-08. Review status: criteria provided, single submitter. Criteria: ACMG Guidelines, 2015. Collection method: clinical testing. Allele origin: germline.

GeneDx
Classification: Benign. Last evaluated: 2015-03-03. Review status: criteria provided, single submitter. Criteria: GeneDx Variant Classification Process June 2021. Collection method: clinical testing. Allele origin: germline. Affected: yes.